The following is an entry in ClinVar:

ClinVar aggregate classification (germline): Uncertain significance (1 of 4 stars; one submission).

Submission:

Labcorp Genetics (formerly Invitae), Labcorp
Classification: Uncertain significance. Last evaluated: 2021-08-09. Review status: criteria provided, single submitter. Criteria: Invitae Variant Classification Sherloc (09022015). Collection method: clinical testing. Allele origin: germline.
Comment: This sequence change replaces alanine with threonine at codon 9 of the LRP2 protein (p.Ala9Thr). The alanine residue is weakly conserved and there is a small physicochemical difference between alanine and threonine. The frequency data for this variant in the population databases is considered unreliable, as metrics indicate insufficient coverage at this position in the ExAC database. This variant has not been reported in the literature in individuals affected with LRP2-related conditions. Algorithms developed to predict the effect of missense changes on protein structure and function are either unavailable or do not agree on the potential impact of this missense change (SIFT: "Deleterious"; PolyPhen-2: "Benign"; Align-GVGD: "Class C0"). In summary, the available evidence is currently insufficient to determine the role of this variant in disease. Therefore, it has been classified as a Variant of Uncertain Significance.

NM_004525.3(LRP2):c.25G>A (p.Ala9Thr)

Gene: LRP2 (LDL receptor related protein 2; minus strand). Cytogenetic location: 2q31.1.
Variant type: single nucleotide variant.
Coding change: c.25G>A on transcript NM_004525.3 (MANE Select); coding-DNA position 25, G replaced by A.
Protein change: p.Ala9Thr; replaces alanine 9 with threonine.
Molecular consequence: missense variant.
Genome position (GRCh38, 1-based): chr2:169,362,375, C>T on the plus strand (G>A on the coding strand, the complement: LRP2 is on the minus strand). VCF-style: chr2-169362375-C-T. GRCh37 (hg19) VCF-style: chr2-170218885-C-T.
Other names: short protein forms A9T.
Identifiers: ClinVar variation 1471661 (VCV001471661.6), dbSNP rs2105595174, ClinGen allele CA349256941.